The following is an entry in ClinVar:

NM_020987.5(ANK3):c.7874G>A (p.Ser2625Asn)

Gene: ANK3 (ankyrin 3; minus strand). Cytogenetic location: 10q21.2.
Variant type: single nucleotide variant.
Coding change: c.7874G>A on transcript NM_020987.5 (MANE Select); coding-DNA position 7874, G replaced by A.
Protein change: p.Ser2625Asn; replaces serine 2625 with asparagine.
Molecular consequence: missense variant. On other transcripts: intron variant (4).
Genome position (GRCh38, 1-based): chr10:60,073,007, C>T on the plus strand (G>A on the coding strand, the complement: ANK3 is on the minus strand). VCF-style: chr10-60073007-C-T. GRCh37 (hg19) VCF-style: chr10-61832765-C-T.
Other names: c.4388-4998G>A (NM_001204403.2); c.4409-4998G>A (NM_001204404.2); c.4406-4998G>A (NM_001320874.2); c.1808-4998G>A (NM_001149.4); short protein forms S2625N.
Identifiers: ClinVar variation 3668063 (VCV003668063.2).
Genomic context (GRCh38, chr10:60,073,007, plus strand): 5'-TCATCATTGGATGCCAGCAGTTCTGTCAGTAGCACTTTCTCAGGGCTGCTACTGGTAGGG[C>T]TTTGAGAAGAATATTCTTTGCCATTTTTAGGGCGTGCCTTTTTCTCTGGGGACTGCAGTT-3'
Protein context (NP_066267.2, residues 2615-2635): PKNGKEYSSQ[Ser2625Asn]PTSSSPEKVL

ClinVar aggregate classification (germline): Uncertain significance (1 of 4 stars; one submission).

gnomAD v4.1: 1 of 1,613,986 alleles (0.000062%); highest among the groups gnomAD compares: Non-Finnish European, 0.000085%; no homozygotes.

Submission:

Labcorp Genetics (formerly Invitae), Labcorp
Classification: Uncertain significance. Last evaluated: 2025-02-03. Review status: criteria provided, single submitter. Criteria: Invitae Variant Classification Sherloc (09022015). Collection method: clinical testing. Allele origin: germline.
Comment: This sequence change replaces serine, which is neutral and polar, with asparagine, which is neutral and polar, at codon 2625 of the ANK3 protein (p.Ser2625Asn). This variant is present in population databases (no rsID available, gnomAD 0.007%). This variant has not been reported in the literature in individuals affected with ANK3-related conditions. An algorithm developed to predict the effect of missense changes on protein structure and function (PolyPhen-2) suggests that this variant is likely to be tolerated. In summary, the available evidence is currently insufficient to determine the role of this variant in disease. Therefore, it has been classified as a Variant of Uncertain Significance.